The following is an entry in ClinVar:

NM_014014.5(SNRNP200):c.46-7_46-3del

Gene: SNRNP200 (small nuclear ribonucleoprotein U5 subunit 200; minus strand). Cytogenetic location: 2q11.2.
Variant type: Deletion.
Coding change: c.46-7_46-3del on transcript NM_014014.5 (MANE Select); 7 bases into the intron before coding-DNA position 46 through 3 bases into the intron before coding-DNA position 46, 5 bases deleted (TTTTC; older notation c.46-7_46-3delTTTTC).
Molecular consequence: intron variant.
Genome position (GRCh38, 1-based): chr2:96,304,871-96,304,875, GAAAA deleted on the plus strand (TTTTC on the coding strand, the reverse complement: SNRNP200 is on the minus strand); deleting any 5 consecutive bases within chr2:96,304,871-96,304,877 gives the same sequence; the c. name uses the placement nearest the transcript's 3' end. VCF-style (leftmost placement, unchanged base first): chr2-96304870-TGAAAA-T. GRCh37 (hg19) VCF-style: chr2-96970608-TGAAAA-T.
Identifiers: ClinVar variation 2013640 (VCV002013640.4), dbSNP rs2063976779, ClinGen allele CA1272548450.

ClinVar aggregate classification (germline): Uncertain significance (1 of 4 stars; one submission).

Submission:

Labcorp Genetics (formerly Invitae), Labcorp
Classification: Uncertain significance. Last evaluated: 2022-07-03. Review status: criteria provided, single submitter. Criteria: Invitae Variant Classification Sherloc (09022015). Collection method: clinical testing. Allele origin: germline.
Comment: In summary, the available evidence is currently insufficient to determine the role of this variant in disease. Therefore, it has been classified as a Variant of Uncertain Significance. Algorithms developed to predict the effect of sequence changes on RNA splicing suggest that this variant may create or strengthen a splice site. This variant has not been reported in the literature in individuals affected with SNRNP200-related conditions. This variant is not present in population databases (gnomAD no frequency). This sequence change falls in intron 1 of the SNRNP200 gene. It does not directly change the encoded amino acid sequence of the SNRNP200 protein.